The following is an entry in ClinVar:

NM_001374504.1(TMPRSS6):c.1911G>C (p.Glu637Asp)

Gene: TMPRSS6 (transmembrane serine protease 6; minus strand). Cytogenetic location: 22q12.3.
Variant type: single nucleotide variant.
Coding change: c.1911G>C on transcript NM_001374504.1 (MANE Select); coding-DNA position 1911, G replaced by C.
Protein change: p.Glu637Asp; replaces glutamic acid 637 with aspartic acid.
Molecular consequence: missense variant.
Genome position (GRCh38, 1-based): chr22:37,069,275, C>G on the plus strand (G>C on the coding strand, the complement: TMPRSS6 is on the minus strand). VCF-style: chr22-37069275-C-G. GRCh37 (hg19) VCF-style: chr22-37465315-C-G.
Other names: c.1911G>C, p.Glu637Asp (NM_001289000.2, NM_001289001.2, NM_153609.4); c.1938G>C (NM_153609.2); short protein forms E637D.
Identifiers: ClinVar variation 3388441 (VCV003388441.15).
Genomic context (GRCh38, chr22:37,069,275, plus strand): 5'-GTCATGGCTGTCCTCTTCGTGGTACGGGTGCAGGAGCAGGCGGCTCACCTTGAAGGACAC[C>G]TCTCCAGGCCAGCGCGAGTTCTGCCACACCTTGCCCAGGAACACGGTCCACAGCACCGTG-3'
Protein context (NP_001361433.1, residues 627-647): KVWQNSRWPG[Glu637Asp]VSFKVSRLLL

ClinVar aggregate classification (germline): Uncertain significance. Review status: criteria provided, multiple submitters, no conflicts (2 of 4 stars). 2 submissions from 2 submitters: Uncertain significance (2). Last evaluated 2025-08-02.

Conditions:
Inborn genetic diseases. Identifiers: MedGen C0950123, MeSH D030342.

gnomAD v4.1: 23 of 1,611,042 alleles (0.0014%); highest among the groups gnomAD compares: Admixed American, 0.038%; 1 homozygote.

Submissions (2):

Ambry Genetics
Classification: Uncertain significance for Inborn genetic diseases. Last evaluated: 2025-08-02. Review status: criteria provided, single submitter. Criteria: Ambry Variant Classification Scheme 2023. Collection method: clinical testing. Allele origin: germline.

CeGaT Center for Human Genetics Tuebingen
Classification: Uncertain significance. Last evaluated: 2024-11-01. Review status: criteria provided, single submitter. Criteria: CeGaT Center For Human Genetics Tuebingen Variant Classification Criteria Version 2. Collection method: clinical testing. Allele origin: germline. Affected: yes. Observed: 1 variant allele.
Comment: TMPRSS6: PM2